The following is an entry in ClinVar:

ClinVar aggregate classification (germline): Uncertain significance (1 of 4 stars; one submission).

Submission:

Labcorp Genetics (formerly Invitae), Labcorp
Classification: Uncertain significance. Last evaluated: 2022-08-02. Review status: criteria provided, single submitter. Criteria: Invitae Variant Classification Sherloc (09022015). Collection method: clinical testing. Allele origin: germline.
Comment: Algorithms developed to predict the effect of missense changes on protein structure and function are either unavailable or do not agree on the potential impact of this missense change (SIFT: "Deleterious"; PolyPhen-2: "Probably Damaging"; Align-GVGD: "Class C0"). In summary, the available evidence is currently insufficient to determine the role of this variant in disease. Therefore, it has been classified as a Variant of Uncertain Significance. This variant has not been reported in the literature in individuals affected with POLE-related conditions. This variant is not present in population databases (gnomAD no frequency). This sequence change replaces asparagine, which is neutral and polar, with tyrosine, which is neutral and polar, at codon 423 of the POLE protein (p.Asn423Tyr).

NM_006231.4(POLE):c.1267A>T (p.Asn423Tyr)

Gene: POLE (DNA polymerase epsilon, catalytic subunit; minus strand). Cytogenetic location: 12q24.33.
Variant type: single nucleotide variant.
Coding change: c.1267A>T on transcript NM_006231.4 (MANE Select); coding-DNA position 1267, A replaced by T.
Protein change: p.Asn423Tyr; replaces asparagine 423 with tyrosine.
Molecular consequence: missense variant.
Genome position (GRCh38, 1-based): chr12:132,673,667, T>A on the plus strand (A>T on the coding strand, the complement: POLE is on the minus strand). VCF-style: chr12-132673667-T-A. GRCh37 (hg19) VCF-style: chr12-133250253-T-A.
Other names: short protein forms N423Y.
Identifiers: ClinVar variation 1714807 (VCV001714807.5), dbSNP rs1347133742, ClinGen allele CA387359555.